The following is an entry in ClinVar:

ClinVar aggregate classification (germline): Uncertain significance. Review status: criteria provided, multiple submitters, no conflicts (2 of 4 stars). 2 submissions from 2 submitters: Uncertain significance (2). Last evaluated 2023-11-27.

Conditions:
Hypertrophic cardiomyopathy. Also called: HYPERTROPHIC MYOCARDIOPATHY. Identifiers: Orphanet 217569, MedGen C0007194, MeSH D002312, MONDO:0005045, HP:0001639.

Submissions (2):

Labcorp Genetics (formerly Invitae), Labcorp
Classification: Uncertain significance for Hypertrophic cardiomyopathy. Last evaluated: 2023-11-27. Review status: criteria provided, single submitter. Criteria: Invitae Variant Classification Sherloc (09022015). Collection method: clinical testing. Allele origin: germline.
Comment: This sequence change replaces serine, which is neutral and polar, with asparagine, which is neutral and polar, at codon 550 of the MYBPC3 protein (p.Ser550Asn). This variant is present in population databases (no rsID available, gnomAD 0.003%). This variant has not been reported in the literature in individuals affected with MYBPC3-related conditions. Algorithms developed to predict the effect of missense changes on protein structure and function output the following: SIFT: "Not Available"; PolyPhen-2: "Benign"; Align-GVGD: "Not Available". The asparagine amino acid residue is found in multiple mammalian species, which suggests that this missense change does not adversely affect protein function. In summary, the available evidence is currently insufficient to determine the role of this variant in disease. Therefore, it has been classified as a Variant of Uncertain Significance.

All of Us Research Program, National Institutes of Health
Classification: Uncertain significance for Hypertrophic cardiomyopathy. Last evaluated: 2023-05-31. Review status: criteria provided, single submitter. Criteria: ACMG Guidelines, 2015. Collection method: clinical testing. Allele origin: germline. Inheritance: Autosomal dominant inheritance. Observed: 1 variant allele, 1 heterozygote.
Comment: This study involves interpretation of variants in research participants for the purpose of population health screening. Participant phenotype was not available at the time of variant classification. Additional details can be found in publication PMID: 35346344, PMCID: PMC8962531

NM_000256.3(MYBPC3):c.1649G>A (p.Ser550Asn)

Gene: MYBPC3 (myosin binding protein C3; minus strand). Cytogenetic location: 11p11.2.
Variant type: single nucleotide variant.
Coding change: c.1649G>A on transcript NM_000256.3 (MANE Select); coding-DNA position 1649, G replaced by A.
Protein change: p.Ser550Asn; replaces serine 550 with asparagine.
Molecular consequence: missense variant.
Genome position (GRCh38, 1-based): chr11:47,342,132, C>T on the plus strand (G>A on the coding strand, the complement: MYBPC3 is on the minus strand). VCF-style: chr11-47342132-C-T. GRCh37 (hg19) VCF-style: chr11-47363683-C-T.
Other names: short protein forms S550N.
Identifiers: ClinVar variation 2971719 (VCV002971719.4), dbSNP rs1228318518, ClinGen allele CA380324451.